The following is an entry in ClinVar:

ClinVar aggregate classification (germline): Uncertain significance (1 of 4 stars; one submission).

Conditions:
Diamond-Blackfan anemia. Also called: Blackfan Diamond syndrome; Aregenerative anemia chronic congenital; Red cell aplasia, pure hereditary; Congenital hypoplastic anemia; Aase syndrome. Identifiers: Orphanet 124, MedGen C1260899, MeSH D029503, MONDO:0015253, HP:0004810.

Submission:

Labcorp Genetics (formerly Invitae), Labcorp
Classification: Uncertain significance for Diamond-Blackfan anemia. Last evaluated: 2024-12-24. Review status: criteria provided, single submitter. Criteria: Invitae Variant Classification Sherloc (09022015). Collection method: clinical testing. Allele origin: germline.
Comment: This sequence change replaces glutamine, which is neutral and polar, with glutamic acid, which is acidic and polar, at codon 66 of the RPL26 protein (p.Gln66Glu). This variant is not present in population databases (gnomAD no frequency). This variant has not been reported in the literature in individuals affected with RPL26-related conditions. An algorithm developed to predict the effect of missense changes on protein structure and function (PolyPhen-2) suggests that this variant is likely to be tolerated. In summary, the available evidence is currently insufficient to determine the role of this variant in disease. Therefore, it has been classified as a Variant of Uncertain Significance.

NM_000987.5(RPL26):c.196C>G (p.Gln66Glu)

Gene: RPL26 (ribosomal protein L26; minus strand). Cytogenetic location: 17p13.1.
Variant type: single nucleotide variant.
Coding change: c.196C>G on transcript NM_000987.5 (MANE Select); coding-DNA position 196, C replaced by G.
Protein change: p.Gln66Glu; replaces glutamine 66 with glutamic acid.
Molecular consequence: missense variant.
Genome position (GRCh38, 1-based): chr17:8,379,909, G>C on the plus strand (C>G on the coding strand, the complement: RPL26 is on the minus strand). VCF-style: chr17-8379909-G-C. GRCh37 (hg19) VCF-style: chr17-8283227-G-C.
Other names: c.196C>G, p.Gln66Glu (NM_001315530.2, NM_001315531.2); short protein forms Q66E.
Identifiers: ClinVar variation 3728040 (VCV003728040.2).